The following is an entry in ClinVar:

NM_198053.3(CD247):c.155G>A (p.Arg52Lys)

Gene: CD247 (CD247 molecule; minus strand). Cytogenetic location: 1q24.2.
Variant type: single nucleotide variant.
Coding change: c.155G>A on transcript NM_198053.3 (MANE Select); coding-DNA position 155, G replaced by A.
Protein change: p.Arg52Lys; replaces arginine 52 with lysine.
Molecular consequence: missense variant.
Genome position (GRCh38, 1-based): chr1:167,440,671, C>T on the plus strand (G>A on the coding strand, the complement: CD247 is on the minus strand). VCF-style: chr1-167440671-C-T. GRCh37 (hg19) VCF-style: chr1-167409908-C-T.
Other names: c.155G>A (NM_198053.2); c.155G>A, p.Arg52Lys (NM_000734.4); c.248G>A, p.Arg83Lys (NM_001378515.1, NM_001378516.1); short protein forms R83K, R52K.
Identifiers: ClinVar variation 1428563 (VCV001428563.6), dbSNP rs368651001, ClinGen allele CA1226101.

ClinVar aggregate classification (germline): Uncertain significance. Review status: criteria provided, multiple submitters, no conflicts (2 of 4 stars). 2 submissions from 2 submitters: Uncertain significance (2). Last evaluated 2025-06-30.

Conditions:
Immunodeficiency 25. Also called: Immunodeficiency due to defect in cd3-zeta, somatic. Identifiers: MedGen C1857798, MONDO:0012426, OMIM 610163.

Allele frequency attached by ClinVar (database versions not stated): gnomAD exomes 0.00004 and 0.00002; TOPMed 0.00005; ESP Exome Variant Server 0.00008; ExAC 0.00003; gnomAD 0.00003 and 0.00004.
gnomAD v4.1: 36 of 1,611,384 alleles (0.0022%); highest among the groups gnomAD compares: Admixed American, 0.005%; no homozygotes.

Submissions (2):

Ambry Genetics
Classification: Uncertain significance. Last evaluated: 2025-06-30. Review status: criteria provided, single submitter. Criteria: Ambry Variant Classification Scheme 2023. Collection method: clinical testing. Allele origin: germline.

Labcorp Genetics (formerly Invitae), Labcorp
Classification: Uncertain significance for Immunodeficiency 25. Last evaluated: 2022-07-06. Review status: criteria provided, single submitter. Criteria: Invitae Variant Classification Sherloc (09022015). Collection method: clinical testing. Allele origin: germline.
Comment: This sequence change replaces arginine, which is basic and polar, with lysine, which is basic and polar, at codon 52 of the CD247 protein (p.Arg52Lys). This variant is present in population databases (rs368651001, gnomAD 0.006%). This variant has not been reported in the literature in individuals affected with CD247-related conditions. ClinVar contains an entry for this variant (Variation ID: 1428563). Algorithms developed to predict the effect of missense changes on protein structure and function output the following: SIFT: "Tolerated"; PolyPhen-2: "Benign"; Align-GVGD: "Class C0". The lysine amino acid residue is found in multiple mammalian species, which suggests that this missense change does not adversely affect protein function. In summary, the available evidence is currently insufficient to determine the role of this variant in disease. Therefore, it has been classified as a Variant of Uncertain Significance.